The following is an entry in ClinVar:

ClinVar aggregate classification (germline): Conflicting classifications of pathogenicity. Review status: criteria provided, conflicting classifications (1 of 4 stars). 17 submissions from 13 submitters: Uncertain significance (5); Likely benign (8). 4 of the submissions do not count toward it. Last evaluated 2026-01-31.

Conditions:
Cardiovascular phenotype. Identifiers: MedGen CN230736.
TTN-related disorder. Also called: TTN-related condition; TTN-related disease; TTN-related disorders.
Autosomal recessive limb-girdle muscular dystrophy type 2J (LGMDR10). Also called: MUSCULAR DYSTROPHY, LIMB-GIRDLE, AUTOSOMAL RECESSIVE 10; Limb-girdle muscular dystrophy, type 2J. Identifiers: Orphanet 140922, MedGen C1837342, MONDO:0012127, OMIM 608807.
Dilated cardiomyopathy 1G (CMD1G). Identifiers: Orphanet 154, MedGen C1858763, MONDO:0011400, OMIM 604145.
Cardiomyopathy (CMYO). Also called: Cardiomyopathies. Identifiers: Orphanet 167848, MedGen C0878544, MONDO:0004994, HP:0001638. Inheritance: Various modes of inheritance.
Myopathy, myofibrillar, 9, with early respiratory failure (MFM9). Also called: Myopathy, distal, with early respiratory failure, autosomal dominant; EDSTROM MYOPATHY; MYOPATHY, PROXIMAL, WITH EARLY RESPIRATORY MUSCLE INVOLVEMENT; Hereditary myopathy with early respiratory failure. Identifiers: Orphanet 178464, Orphanet 34521, MedGen C1863599, MONDO:0011362, OMIM 603689.
Early-onset myopathy with fatal cardiomyopathy (CMYO5). Also called: CONGENITAL MYOPATHY 5 WITH CARDIOMYOPATHY; Salih Myopathy. Identifiers: Orphanet 289377, MedGen C2673677, MONDO:0012714, OMIM 611705. Disease mechanism: loss of function.
Tibial muscular dystrophy (TMD). Also called: Tibial muscular dystrophy, tardive; UDD MYOPATHY; Udd Distal Myopathy – Tibial Muscular Dystrophy. Identifiers: Orphanet 609, MedGen C1838244, MONDO:0010870, OMIM 600334.

Allele frequency attached by ClinVar (database versions not stated): gnomAD exomes 0.00013 and 0.00015; gnomAD 0.00017 and 0.00018; ExAC 0.00018; TOPMed 0.00025.
gnomAD v4.1: 225 of 1,508,602 alleles (0.015%); highest among the groups gnomAD compares: Admixed American, 0.022%; no homozygotes.

Submissions (17):

Labcorp Genetics (formerly Invitae), Labcorp
Classification: Likely benign for Dilated cardiomyopathy 1G; Autosomal recessive limb-girdle muscular dystrophy type 2J. Last evaluated: 2026-01-31. Review status: criteria provided, single submitter. Criteria: Invitae Variant Classification Sherloc (09022015). Collection method: clinical testing. Allele origin: germline.

Molecular Diagnostic Laboratory for Inherited Cardiovascular Disease, Montreal Heart Institute
Classification: Likely benign. Last evaluated: 2025-04-09. Review status: criteria provided, single submitter. Criteria: ACMG Guidelines, 2015. Collection method: clinical testing. Allele origin: germline. Affected: no.

PreventionGenetics, part of Exact Sciences
Classification: Likely benign for TTN-related condition. Last evaluated: 2024-12-03. Review status: criteria provided, single submitter. Criteria: ACMG Guidelines, 2015. Collection method: clinical testing. Allele origin: germline.
Comment: This variant is classified as likely benign based on ACMG/AMP sequence variant interpretation guidelines (Richards et al. 2015 PMID: 25741868, with internal and published modifications).

Blueprint Genetics
Classification: Likely benign. Last evaluated: 2024-08-01. Review status: criteria provided, single submitter. Criteria: ACMG Guidelines, 2015. Collection method: clinical testing. Allele origin: germline.

GeneDx
Classification: Likely benign. Last evaluated: 2020-06-22. Review status: criteria provided, single submitter. Criteria: GeneDx Variant Classification Process June 2021. Collection method: clinical testing. Allele origin: germline. Affected: yes.

Illumina Laboratory Services, Illumina
Classification: Likely benign for Myopathy, myofibrillar, 9, with early respiratory failure. Last evaluated: 2018-01-13. Review status: criteria provided, single submitter. Criteria: ICSL Variant Classification Criteria 13 December 2019. Collection method: clinical testing. Allele origin: germline.
Comment: This variant was observed in the ICSL laboratory as part of a predisposition screen in an ostensibly healthy population. It had not been previously curated by ICSL or reported in the Human Gene Mutation Database (HGMD: prior to June 1st, 2018), and was therefore a candidate for classification through an automated scoring system. Utilizing variant allele frequency, disease prevalence and penetrance estimates, and inheritance mode, an automated score was calculated to assess if this variant is too frequent to cause the disease. Based on the score and internal cut-off values, a variant classified as likely benign is not then subjected to further curation. The score for this variant resulted in a classification of likely benign for this disease.

Illumina Laboratory Services, Illumina
Classification: Uncertain significance for Dilated cardiomyopathy 1G. Last evaluated: 2018-01-13. Review status: criteria provided, single submitter. Criteria: ICSL Variant Classification Criteria 13 December 2019. Collection method: clinical testing. Allele origin: germline.

Illumina Laboratory Services, Illumina
Classification: Uncertain significance for Autosomal recessive limb-girdle muscular dystrophy type 2J. Last evaluated: 2018-01-13. Review status: criteria provided, single submitter. Criteria: ICSL Variant Classification Criteria 13 December 2019. Collection method: clinical testing. Allele origin: germline.

Illumina Laboratory Services, Illumina
Classification: Likely benign for Tibial muscular dystrophy. Last evaluated: 2018-01-13. Review status: criteria provided, single submitter. Criteria: ICSL Variant Classification Criteria 13 December 2019. Collection method: clinical testing. Allele origin: germline.
Comment: the same text as in the submission from Illumina Laboratory Services, Illumina above.

Illumina Laboratory Services, Illumina
Classification: Uncertain significance for Early-onset myopathy with fatal cardiomyopathy. Last evaluated: 2018-01-13. Review status: criteria provided, single submitter. Criteria: ICSL Variant Classification Criteria 13 December 2019. Collection method: clinical testing. Allele origin: germline.

Eurofins Ntd Llc (ga)
Classification: Uncertain significance. Last evaluated: 2017-12-15. Review status: criteria provided, single submitter. Criteria: EGL Classification Definitions 2015. Collection method: clinical testing. Allele origin: germline. Observed: 2 variant alleles, 2 heterozygotes.

CHEO Genetics Diagnostic Laboratory, Children's Hospital of Eastern Ontario
Classification: Uncertain significance for Cardiomyopathy. Last evaluated: 2015-11-30. Review status: criteria provided, single submitter. Criteria: ACMG Guidelines, 2015. Collection method: clinical testing. Allele origin: germline. Study: Canadian Open Genetics Repository.

Ambry Genetics
Classification: Likely benign for Cardiovascular phenotype. Last evaluated: 2015-05-13. Review status: criteria provided, single submitter. Criteria: Ambry Variant Classification Scheme 2023. Collection method: clinical testing. Allele origin: germline.

Clinical Genetics DNA and cytogenetics Diagnostics Lab, Erasmus MC, Erasmus Medical Center
Classification: Likely benign. Review status: no assertion criteria provided. Collection method: clinical testing. Allele origin: germline. Affected: yes. Study: VKGL Data-share Consensus. Not counted in ClinVar's aggregate classification.

Clinical Genetics, Academic Medical Center
Classification: Benign. Review status: no assertion criteria provided. Collection method: clinical testing. Allele origin: germline. Affected: yes. Study: VKGL Data-share Consensus. Not counted in ClinVar's aggregate classification.

Diagnostic Laboratory, Department of Genetics, University Medical Center Groningen
Classification: Likely benign. Review status: no assertion criteria provided. Collection method: clinical testing. Allele origin: germline. Affected: yes. Study: VKGL Data-share Consensus. Not counted in ClinVar's aggregate classification.

Joint Genome Diagnostic Labs from Nijmegen and Maastricht, Radboudumc and MUMC+
Classification: Likely benign. Review status: no assertion criteria provided. Collection method: clinical testing. Allele origin: germline. Affected: yes. Study: VKGL Data-share Consensus. Not counted in ClinVar's aggregate classification.

NM_001267550.2(TTN):c.40581A>G (p.Glu13527=)

Gene: TTN (titin; minus strand). Cytogenetic location: 2q31.2.
Variant type: single nucleotide variant.
Coding change: c.40581A>G on transcript NM_001267550.2 (MANE Select); coding-DNA position 40581, A replaced by G.
Protein change: p.Glu13527=; no amino-acid change (glutamic acid 13527 retained).
Molecular consequence: synonymous variant.
Genome position (GRCh38, 1-based): chr2:178,641,293, T>C on the plus strand (A>G on the coding strand, the complement: TTN is on the minus strand). VCF-style: chr2-178641293-T-C. GRCh37 (hg19) VCF-style: chr2-179506020-T-C.
Other names: c.35658A>G, p.Glu11886= (NM_001256850.1); c.13386A>G, p.Glu4462= (NM_003319.4); c.32877A>G, p.Glu10959= (NM_133378.4); c.13761A>G, p.Glu4587= (NM_133432.3); c.13962A>G, p.Glu4654= (NM_133437.4).
Identifiers: ClinVar variation 264051 (VCV000264051.36), dbSNP rs775954427, ClinGen allele CA1996443.